The following is an entry in ClinVar:

ClinVar aggregate classification (germline): Pathogenic/Likely pathogenic. Review status: criteria provided, multiple submitters, no conflicts (2 of 4 stars). 2 submissions from 2 submitters: Pathogenic (1); Likely pathogenic (1). Last evaluated 2020-08-02.

Conditions:
Nemaline myopathy 2 (NEM2). Also called: Nemaline myopathy 2, autosomal recessive. Identifiers: MedGen C1850569, MONDO:0009725, OMIM 256030.
Arthrogryposis multiplex congenita 6. Identifiers: MedGen C5543431, MONDO:0030281, OMIM 619334.

Allele frequency attached by ClinVar (database versions not stated): gnomAD exomes below 0.00001; TOPMed below 0.00001.

Submissions (2):

Labcorp Genetics (formerly Invitae), Labcorp
Classification: Pathogenic for Nemaline myopathy 2. Last evaluated: 2020-08-02. Review status: criteria provided, single submitter. Criteria: Invitae Variant Classification Sherloc (09022015). Collection method: clinical testing. Allele origin: germline.
Comment: For these reasons, this variant has been classified as Pathogenic. Loss-of-function variants in NEB are known to be pathogenic (PMID: 25205138). This variant has not been reported in the literature in individuals with NEB-related conditions. This variant is not present in population databases (ExAC no frequency). This sequence change creates a premature translational stop signal (p.Ser8134Tyrfs*2) in the NEB gene. It is expected to result in an absent or disrupted protein product.

Juno Genomics, Hangzhou Juno Genomics, Inc
Classification: Likely pathogenic for Arthrogryposis multiplex congenita 6; Nemaline myopathy 2. Review status: criteria provided, single submitter. Criteria: ACMG Guidelines, 2015. Collection method: clinical testing. Allele origin: germline.
Comment: Null variant in a gene where loss of function (LOF) is a known mechanism of disease.;Absent from controls (or at extremely low frequency if recessive) in Genome Aggregation Database.

Literature cited by the submitters: PubMed 25205138 (cited by Labcorp Genetics (formerly Invitae), Labcorp).

NM_001164508.2(NEB):c.24291_24294dup (p.Ser8099delinsTyrTer)

Genes: NEB (nebulin; minus strand), RIF1 (replication timing regulatory factor 1; plus strand). Cytogenetic location: 2q23.3.
Variant type: Duplication.
Coding change: c.24291_24294dup on transcript NM_001164508.2 (MANE Select); coding-DNA positions 24291 to 24294, 4 bases duplicated (TATT; older notation c.24291_24294dupTATT).
Protein change: p.Ser8099delinsTyrTer.
Molecular consequence: nonsense. On other transcripts: intron variant (1).
Genome position (GRCh38, 1-based): chr2:151,497,632-151,497,635, AATA duplicated on the plus strand (TATT on the coding strand, the reverse complement: NEB is on the minus strand). VCF-style (leftmost placement, unchanged base first): chr2-151497631-T-TAATA. GRCh37 (hg19) VCF-style: chr2-152354145-T-TAATA.
Other names: c.24291_24294dup, p.Ser8099delinsTyrTer (NM_001164507.2); c.24396_24399dup, p.Ser8134delinsTyrTer (NM_001271208.2); c.18826-1267_18826-1264dup (NM_004543.5).
Identifiers: ClinVar variation 1075183 (VCV001075183.9), dbSNP rs2061157682, ClinGen allele CA1298151644.